The following is an entry in ClinVar:

ClinVar aggregate classification (germline): Likely pathogenic (1 of 4 stars; one submission).

Submission:

GeneDx
Classification: Likely pathogenic. Last evaluated: 2017-03-14. Review status: criteria provided, single submitter. Criteria: GeneDx Variant Classification (06012015). Collection method: clinical testing. Allele origin: germline. Affected: yes.
Comment: Although the c.520_524dupACTAG likely pathogenic variant in the ALMS1 gene has not been reported to our knowledge, this variant causes a shift in reading frame starting at codon phenylalanine 176, changing it to a leucine, and creating a premature stop codon at position 5 of the new reading frame, denoted p.Phe176LeufsX5. This likely pathogenic variant is expected to result in either an abnormal, truncated protein product or loss of protein from this allele through nonsense-mediated mRNA decay. Other loss of function variants in the ALMS1 gene have been reported in Human Gene Mutation Database in association with Alstrom syndrome (Stenson et al., 2014), indicating that this is a mechanism of disease for this gene. Furthermore, the c.520_524dupACTAG variant has not been observed in large population cohorts (Lek et al., 2016; 1000 Genomes Consortium et al., 2015; Exome Variant Server).

NM_001378454.1(ALMS1):c.517_521dup (p.Phe175fs)

Gene: ALMS1 (ALMS1 centrosome and basal body associated protein; plus strand). Cytogenetic location: 2p13.1.
Variant type: Duplication.
Coding change: c.517_521dup on transcript NM_001378454.1 (MANE Select); coding-DNA positions 517 to 521, 5 bases duplicated (ACTAG; older notation c.517_521dupACTAG).
Protein change: p.Phe175fs; shifts the reading frame from phenylalanine 175.
Molecular consequence: frameshift variant.
Genome position (GRCh38, 1-based): chr2:73,419,189-73,419,193, ACTAG duplicated; duplicating any 5 consecutive bases within chr2:73,419,187-73,419,193 gives the same sequence; the c. name uses the placement nearest the transcript's 3' end. VCF-style (leftmost placement, unchanged base first): chr2-73419186-C-CAGACT. GRCh37 (hg19) VCF-style: chr2-73646314-C-CAGACT.
Other names: c.520_524dup, p.Phe176fs (NM_015120.4); c.520_524dupACTAG (NM_015120.4); short protein forms F176fs, F175fs.
Identifiers: ClinVar variation 424362 (VCV000424362.2), dbSNP rs1553399962, ClinGen allele CA16617753.
Genomic context (GRCh38, chr2:73,419,186, plus strand): 5'-ACAGAATCTTGGCATTGTCTTCCTCAAGAAATGGACTCTTCCCAAACCTTGGATACATCC[C>CAGACT]AGACTAGGTTTAATGTGAGAACGGAAGATACTGAAGTGACAGACTTCCCCTCTCTGGAGG-3'